The following is an entry in ClinVar:

ClinVar aggregate classification (germline): Pathogenic (1 of 4 stars; one submission).

Conditions:
Hereditary cancer-predisposing syndrome. Also called: Neoplastic Syndromes, Hereditary; Tumor predisposition; Hereditary neoplastic syndrome; Hereditary Cancer Syndrome. Identifiers: Orphanet 140162, MedGen C0027672, MeSH D009386, MONDO:0015356.
Cardiovascular phenotype. Identifiers: MedGen CN230736.

Submission:

Ambry Genetics
Classification: Pathogenic for Cardiovascular phenotype; Hereditary cancer-predisposing syndrome. Last evaluated: 2023-06-07. Review status: criteria provided, single submitter. Criteria: Ambry Variant Classification Scheme 2023. Collection method: clinical testing. Allele origin: germline.
Comment: The c.1884_1885delCGinsTAA pathogenic mutation, located in coding exon 17 of the NF1 gene, results from the deletion of two nucleotides and insertion of 3 nucleotides causing a translational frameshift with a predicted alternate stop codon (p.G629Kfs*5). This variant is considered to be rare based on population cohorts in the Genome Aggregation Database (gnomAD). This alteration is expected to result in loss of function by premature protein truncation or nonsense-mediated mRNA decay. As such, this alteration is interpreted as a disease-causing mutation.

NM_001042492.3(NF1):c.1884_1885delinsTAA (p.Gly629fs)

Gene: NF1 (neurofibromin 1; plus strand). Cytogenetic location: 17q11.2.
Variant type: Indel.
Coding change: c.1884_1885delinsTAA on transcript NM_001042492.3 (MANE Select); coding-DNA positions 1884 to 1885, CG replaced by TAA.
Protein change: p.Gly629fs; shifts the reading frame from glycine 629.
Molecular consequence: frameshift variant.
Genome position (GRCh38, 1-based): chr17:31,225,133-31,225,134, CG replaced by TAA. VCF-style: chr17-31225133-CG-TAA. GRCh37 (hg19) VCF-style: chr17-29552151-CG-TAA.
Other names: c.1884_1885delCGinsTAA (NM_000267.3); c.1884_1885delCGinsTAA, p.Gly629Lysfs (NM_000267.4); short protein forms G629fs.
Identifiers: ClinVar variation 3238451 (VCV003238451.1), dbSNP rs2508140716.